The following is an entry in ClinVar:

ClinVar aggregate classification (germline): Uncertain significance. Review status: criteria provided, multiple submitters, no conflicts (2 of 4 stars). 3 submissions from 3 submitters: Uncertain significance (3). Last evaluated 2025-02-09.

Conditions:
Hereditary cancer-predisposing syndrome. Also called: Neoplastic Syndromes, Hereditary; Hereditary Cancer Syndrome; Hereditary neoplastic syndrome; Tumor predisposition. Identifiers: Orphanet 140162, MedGen C0027672, MeSH D009386, MONDO:0015356.
Cardiovascular phenotype. Identifiers: MedGen CN230736.
Neurofibromatosis, type 1 (NF1). Also called: Neurofibromatosis, type I; Peripheral type neurofibromatosis; VON RECKLINGHAUSEN DISEASE; NEUROFIBROMATOSIS, TYPE I, SOMATIC. Identifiers: Orphanet 636, MedGen C0027831, MONDO:0018975, OMIM 162200. Disease mechanism: loss of function.

Submissions (3):

Labcorp Genetics (formerly Invitae), Labcorp
Classification: Uncertain significance for Neurofibromatosis, type 1. Last evaluated: 2025-02-09. Review status: criteria provided, single submitter. Criteria: Invitae Variant Classification Sherloc (09022015). Collection method: clinical testing. Allele origin: germline.
Comment: This sequence change replaces asparagine, which is neutral and polar, with tyrosine, which is neutral and polar, at codon 2366 of the NF1 protein (p.Asn2366Tyr). This variant is not present in population databases (gnomAD no frequency). This variant has not been reported in the literature in individuals affected with NF1-related conditions. ClinVar contains an entry for this variant (Variation ID: 826832). Invitae Evidence Modeling of protein sequence and biophysical properties (such as structural, functional, and spatial information, amino acid conservation, physicochemical variation, residue mobility, and thermodynamic stability) indicates that this missense variant is expected to disrupt NF1 protein function with a positive predictive value of 95%. In summary, the available evidence is currently insufficient to determine the role of this variant in disease. Therefore, it has been classified as a Variant of Uncertain Significance.

Ambry Genetics
Classification: Uncertain significance for Cardiovascular phenotype; Hereditary cancer-predisposing syndrome. Last evaluated: 2022-11-21. Review status: criteria provided, single submitter. Criteria: Ambry Variant Classification Scheme 2023. Collection method: clinical testing. Allele origin: germline.
Comment: The p.N2366Y variant (also known as c.7096A>T), located in coding exon 47 of the NF1 gene, results from an A to T substitution at nucleotide position 7096. The asparagine at codon 2366 is replaced by tyrosine, an amino acid with dissimilar properties. This amino acid position is highly conserved in available vertebrate species. In addition, the in silico prediction for this alteration is inconclusive. Since supporting evidence is limited at this time, the clinical significance of this alteration remains unclear.

Clinical Genomics Laboratory, Stanford Medicine
Classification: Uncertain significance for Neurofibromatosis, type 1. Last evaluated: 2022-09-19. Review status: criteria provided, single submitter. Criteria: ACMG Guidelines, 2015. Collection method: clinical testing. Allele origin: germline. Observed: 1 variant allele, 1 heterozygote.
Comment: The p.Asn2366Tyr variant in the NF1 gene has not been previously reported in association with disease. This variant was absent from large population databases, including the Genome Aggregation Database. This variant is present in ClinVar (Accession: VCV000826832.6). The NF1 gene has fewer missense variants in the general population than expected. A low rate of missense variation may suggest that this gene is intolerant to missense variation. The asparagine at position 2366 is highly evolutionarily conserved. Computational tools predict that the p.Asn2366Tyr variant is neither deleterious nor benign; however, the accuracy of in silico algorithms is limited. These data were assessed using the ACMG/AMP variant interpretation guidelines. In summary, the significance of the p.Asn2366Tyr variant is uncertain. Additional information is needed to resolve the significance of this variant. [ACMG evidence codes used: PM2; PP2]

NM_001042492.3(NF1):c.7159A>T (p.Asn2387Tyr)

Gene: NF1 (neurofibromin 1; plus strand). Cytogenetic location: 17q11.2.
Variant type: single nucleotide variant.
Coding change: c.7159A>T on transcript NM_001042492.3 (MANE Select); coding-DNA position 7159, A replaced by T.
Protein change: p.Asn2387Tyr; replaces asparagine 2387 with tyrosine.
Molecular consequence: missense variant.
Genome position (GRCh38, 1-based): chr17:31,343,105, A>T. VCF-style: chr17-31343105-A-T. GRCh37 (hg19) VCF-style: chr17-29670123-A-T.
Other names: c.7096A>T, p.Asn2366Tyr (NM_000267.4); short protein forms N2366Y, N2387Y.
Identifiers: ClinVar variation 826832 (VCV000826832.8), dbSNP rs763556723, ClinGen allele CA399015723.